The following is an entry in ClinVar:

ClinVar aggregate classification (germline): Uncertain significance. Review status: criteria provided, multiple submitters, no conflicts (2 of 4 stars). 2 submissions from 2 submitters: Uncertain significance (2). Last evaluated 2022-03-14.

Conditions:
Spondylodysplastic Ehlers-Danlos syndrome. Identifiers: Orphanet 536471, Orphanet 75496, MedGen C5680154, MONDO:0007526.

Allele frequency attached by ClinVar (database versions not stated): gnomAD 0.00001; TOPMed 0.00002; 1000 Genomes Project 0.00020; 1000 Genomes Project 30x 0.00031; ExAC 0.00003; gnomAD exomes 0.00003.
gnomAD v4.1: 15 of 1,613,554 alleles (0.00093%); highest among the groups gnomAD compares: Admixed American, 0.0067%; no homozygotes.

Submissions (2):

Labcorp Genetics (formerly Invitae), Labcorp
Classification: Uncertain significance for Spondylodysplastic Ehlers-Danlos syndrome. Last evaluated: 2022-03-14. Review status: criteria provided, single submitter. Criteria: Invitae Variant Classification Sherloc (09022015). Collection method: clinical testing. Allele origin: germline.
Comment: In summary, the available evidence is currently insufficient to determine the role of this variant in disease. Therefore, it has been classified as a Variant of Uncertain Significance. Variants that disrupt the consensus splice site are a relatively common cause of aberrant splicing (PMID: 17576681, 9536098). Algorithms developed to predict the effect of sequence changes on RNA splicing suggest that this variant is not likely to affect RNA splicing. ClinVar contains an entry for this variant (Variation ID: 283608). This variant has not been reported in the literature in individuals affected with B4GALT7-related conditions. This variant is present in population databases (rs566517243, gnomAD 0.01%). This sequence change falls in intron 2 of the B4GALT7 gene. It does not directly change the encoded amino acid sequence of the B4GALT7 protein. It affects a nucleotide within the consensus splice site.

Eurofins Ntd Llc (ga)
Classification: Uncertain significance. Last evaluated: 2015-10-20. Review status: criteria provided, single submitter. Criteria: EGL Classification Definitions 2015. Collection method: clinical testing. Allele origin: germline. Observed: 1 variant allele, 1 heterozygote.

Literature cited by the submitters: PubMed 17576681 (cited by Labcorp Genetics (formerly Invitae), Labcorp); PubMed 9536098 (cited by Labcorp Genetics (formerly Invitae), Labcorp).

NM_007255.3(B4GALT7):c.413+6G>A

Gene: B4GALT7 (beta-1,4-galactosyltransferase 7; plus strand). Cytogenetic location: 5q35.3.
Variant type: single nucleotide variant.
Coding change: c.413+6G>A on transcript NM_007255.3 (MANE Select); 6 bases into the intron after coding-DNA position 413, G replaced by A.
Molecular consequence: intron variant.
Genome position (GRCh38, 1-based): chr5:177,604,547, G>A. VCF-style: chr5-177604547-G-A. GRCh37 (hg19) VCF-style: chr5-177031548-G-A.
Identifiers: ClinVar variation 283608 (VCV000283608.7), dbSNP rs566517243, ClinGen allele CA3586467.